The following is an entry in ClinVar:

NM_000057.4(BLM):c.3983G>A (p.Ser1328Asn)

Gene: BLM (BLM RecQ like helicase; plus strand). Cytogenetic location: 15q26.1.
Variant type: single nucleotide variant.
Coding change: c.3983G>A on transcript NM_000057.4 (MANE Select); coding-DNA position 3983, G replaced by A.
Protein change: p.Ser1328Asn; replaces serine 1328 with asparagine.
Molecular consequence: missense variant.
Genome position (GRCh38, 1-based): chr15:90,811,313, G>A. VCF-style: chr15-90811313-G-A. GRCh37 (hg19) VCF-style: chr15-91354543-G-A.
Other names: c.3983G>A, p.Ser1328Asn (NM_001287246.2); c.3590G>A, p.Ser1197Asn (NM_001287247.2); c.2858G>A, p.Ser953Asn (NM_001287248.2); short protein forms S1197N, S1328N, S953N.
Identifiers: ClinVar variation 2823730 (VCV002823730.3), dbSNP rs1330693236, ClinGen allele CA393851046.

ClinVar aggregate classification (germline): Uncertain significance (1 of 4 stars; one submission).

Conditions:
Bloom syndrome (BLM). Also called: Bloom-Torre-Machacek syndrome. Identifiers: Orphanet 125, MedGen C0005859, MONDO:0008876, OMIM 210900.

Allele frequency attached by ClinVar (database versions not stated): gnomAD exomes below 0.00001.
gnomAD v4.1: 2 of 1,614,180 alleles (0.00012%); highest among the groups gnomAD compares: Admixed American, 0.0017%; no homozygotes.

Submission:

Labcorp Genetics (formerly Invitae), Labcorp
Classification: Uncertain significance for Bloom syndrome. Last evaluated: 2022-12-24. Review status: criteria provided, single submitter. Criteria: Invitae Variant Classification Sherloc (09022015). Collection method: clinical testing. Allele origin: germline.
Comment: Advanced modeling of protein sequence and biophysical properties (such as structural, functional, and spatial information, amino acid conservation, physicochemical variation, residue mobility, and thermodynamic stability) performed at Invitae indicates that this missense variant is not expected to disrupt BLM protein function. In summary, the available evidence is currently insufficient to determine the role of this variant in disease. Therefore, it has been classified as a Variant of Uncertain Significance. This variant has not been reported in the literature in individuals affected with BLM-related conditions. This variant is present in population databases (no rsID available, gnomAD 0.003%). This sequence change replaces serine, which is neutral and polar, with asparagine, which is neutral and polar, at codon 1328 of the BLM protein (p.Ser1328Asn).